The following is an entry in ClinVar:

ClinVar aggregate classification (germline): Likely benign (1 of 4 stars; one submission).

Conditions:
Intellectual developmental disorder, autosomal dominant 71, with behavioral abnormalities (MRD71). Identifiers: MedGen C5830437, MONDO:0957228, OMIM 620330.

Submission:

Centre for Medical Genetics,  Mumbai
Classification: Likely benign for Intellectual developmental disorder, autosomal dominant 71, with behavioral abnormalities. Last evaluated: 2026-02-18. Review status: criteria provided, single submitter. Criteria: ACMG Guidelines, 2015. Collection method: provider interpretation. Allele origin: germline. Inheritance: Autosomal dominant inheritance. Affected: no. Observed: 1 heterozygote.
Comment: The variant satisfies PM2 criteria; extremely low frequency in gnomAD population databases. The variant satisfies BP4 criteria; for a missense or a splice region variant, computational prediction tools unanimously support a benign effect on the gene. However, the variant satisfies BS2 criteria.

Literature cited by the submitters: PubMed 33658631.

NM_022841.7(RFX7):c.1621C>G (p.Pro541Ala)

Gene: RFX7 (regulatory factor X7; minus strand). Cytogenetic location: 15q21.3.
Variant type: single nucleotide variant.
Coding change: c.1621C>G on transcript NM_022841.7 (MANE Select); coding-DNA position 1621, C replaced by G.
Protein change: p.Pro541Ala; replaces proline 541 with alanine.
Molecular consequence: missense variant.
Genome position (GRCh38, 1-based): chr15:56,096,107, G>C on the plus strand (C>G on the coding strand, the complement: RFX7 is on the minus strand). VCF-style: chr15-56096107-G-C. GRCh37 (hg19) VCF-style: chr15-56388305-G-C.
Other names: c.1330C>G, p.Pro444Ala (NM_001368073.2, NM_001368074.1, NM_001370554.1); c.1621C>G, p.Pro541Ala (NM_001370561.1); short protein forms P444A, P541A.
Identifiers: ClinVar variation 4795896 (VCV004795896.1).